The following is an entry in ClinVar:

NM_152443.3(RDH12):c.697G>T (p.Val233Phe)

Genes: RDH12 (retinol dehydrogenase 12; plus strand), GPHN (gephyrin; plus strand), ZFYVE26 (zinc finger FYVE-type containing 26; minus strand). Cytogenetic location: 14q24.1.
Variant type: single nucleotide variant.
Coding change: c.697G>T on transcript NM_152443.3 (MANE Select); coding-DNA position 697, G replaced by T.
Protein change: p.Val233Phe; replaces valine 233 with phenylalanine.
Molecular consequence: missense variant.
Genome position (GRCh38, 1-based): chr14:67,729,229, G>T. VCF-style: chr14-67729229-G-T. GRCh37 (hg19) VCF-style: chr14-68195946-G-T.
Other names: short protein forms V233F.
Identifiers: ClinVar variation 636080 (VCV000636080.3), dbSNP rs140257538, ClinGen allele CA390152928.

ClinVar aggregate classification (germline): Likely pathogenic. Review status: criteria provided, single submitter (1 of 4 stars). 2 submissions from 2 submitters: Likely pathogenic (1). 1 of the submissions does not count toward it. Last evaluated 2024-10-01.

Conditions:
Retinitis pigmentosa (RP). Identifiers: Orphanet 791, MedGen C0035334, MeSH D012174, MONDO:0019200, OMIM 268000. Inheritance: Autosomal dominant, autosomal recessive and X linked inheritance.

gnomAD v4.1: 1 of 1,611,468 alleles (0.000062%); highest among the groups gnomAD compares: Non-Finnish European, 0.000085%; no homozygotes.

Submissions (2):

Lab De Baere, Eye and Developmental Genetics Lab, Ghent University
Classification: Likely pathogenic for Retinitis pigmentosa. Last evaluated: 2024-10-01. Review status: criteria provided, single submitter. Criteria: ACMG Guidelines, 2015. Collection method: research. Allele origin: inherited. Affected: yes. Observed: 1 variant allele.
Comment: ACMG/AMP guidelines: PM2, PP3, PM5, PM1, PP1, PM3_PP

Department of Clinical Genetics, Copenhagen University Hospital, Rigshospitalet
Classification: Uncertain significance for Retinitis pigmentosa. Last evaluated: 2018-04-01. Review status: no assertion criteria provided. Collection method: research. Allele origin: unknown. Affected: yes. Study: VeluxRD. Not counted in ClinVar's aggregate classification.

Literature cited by the submitters: PubMed 30718709 (cited by Department of Clinical Genetics, Copenhagen University Hospital, Rigshospitalet).